The following is an entry in ClinVar:

ClinVar aggregate classification (germline): Uncertain significance (1 of 4 stars; one submission).

Conditions:
FG syndrome (FGS). Identifiers: MedGen C0220769, MONDO:0002010.

Submission:

Labcorp Genetics (formerly Invitae), Labcorp
Classification: Uncertain significance for FG syndrome. Last evaluated: 2026-01-27. Review status: criteria provided, single submitter. Criteria: Invitae Variant Classification Sherloc (09022015). Collection method: clinical testing. Allele origin: germline.
Comment: This sequence change replaces valine, which is neutral and non-polar, with alanine, which is neutral and non-polar, at codon 1000 of the MED12 protein (p.Val1000Ala). This variant is not present in population databases (gnomAD no frequency). This variant has not been reported in the literature in individuals affected with MED12-related conditions. Invitae Evidence Modeling of protein sequence and biophysical properties (such as structural, functional, and spatial information, amino acid conservation, physicochemical variation, residue mobility, and thermodynamic stability) indicates that this missense variant is expected to disrupt MED12 protein function with a positive predictive value of 95%. In summary, the available evidence is currently insufficient to determine the role of this variant in disease. Therefore, it has been classified as a Variant of Uncertain Significance.

NM_005120.3(MED12):c.2999T>C (p.Val1000Ala)

Gene: MED12 (mediator complex subunit 12; plus strand). Cytogenetic location: Xq13.1.
Variant type: single nucleotide variant.
Coding change: c.2999T>C on transcript NM_005120.3 (MANE Select); coding-DNA position 2999, T replaced by C.
Protein change: p.Val1000Ala; replaces valine 1000 with alanine.
Molecular consequence: missense variant.
Genome position (GRCh38, 1-based): chrX:71,127,910, T>C. VCF-style: chrX-71127910-T-C. GRCh37 (hg19) VCF-style: chrX-70347760-T-C.
Other names: short protein forms V1000A.
Identifiers: ClinVar variation 4801069 (VCV004801069.1).
Genomic context (GRCh38, chrX:71,127,910, plus strand): 5'-GGCCTTCTTCAACACTACTATCTCCTTTCCTCCATCCCTGCAGCGACTTTTGCTCAAAGG[T>C]GAAGAACACCATCTACTGCAACGTGGAGCCATCGGAATCAAATATGCGCTGGGCACCTGA-3'
Protein context (NP_005111.2, residues 990-1010): GELFSDFCSK[Val1000Ala]KNTIYCNVEP